The following is an entry in ClinVar:

NM_000059.4(BRCA2):c.6364A>G (p.Met2122Val)

Gene: BRCA2 (BRCA2 DNA repair associated; plus strand). Cytogenetic location: 13q13.1.
Variant type: single nucleotide variant.
Coding change: c.6364A>G on transcript NM_000059.4 (MANE Select); coding-DNA position 6364, A replaced by G.
Protein change: p.Met2122Val; replaces methionine 2122 with valine.
Molecular consequence: missense variant.
Genome position (GRCh38, 1-based): chr13:32,340,719, A>G. VCF-style: chr13-32340719-A-G. GRCh37 (hg19) VCF-style: chr13-32914856-A-G.
Other names: short protein forms M2122V.
Identifiers: ClinVar variation 947846 (VCV000947846.13), dbSNP rs2072553442, ClinGen allele CA387789153.
Genomic context (GRCh38, chr13:32,340,719, plus strand): 5'-GTATCAAAAATACTTCCTCGTGTTGATAAGAGAAACCCAGAGCACTGTGTAAACTCAGAA[A>G]TGGAAAAAACCTGCAGTAAAGAATTTAAATTATCAAATAACTTAAATGTTGAAGGTGGTT-3'
Protein context (NP_000050.3, residues 2112-2132): RNPEHCVNSE[Met2122Val]EKTCSKEFKL

ClinVar aggregate classification (germline): Conflicting classifications of pathogenicity. Review status: criteria provided, conflicting classifications (1 of 4 stars). 3 submissions from 3 submitters: Uncertain significance (2); Likely benign (1). Last evaluated 2025-07-07.

Conditions:
Hereditary cancer-predisposing syndrome. Also called: Hereditary neoplastic syndrome; Neoplastic Syndromes, Hereditary; Tumor predisposition; Hereditary Cancer Syndrome. Identifiers: Orphanet 140162, MedGen C0027672, MeSH D009386, MONDO:0015356.
Hereditary breast ovarian cancer syndrome. Also called: Hereditary breast and/or ovarian cancer syndrome; Hereditary breast and ovarian cancer syndrome; Hereditary breast and ovarian cancer syndrome (HBOC); Breast and ovarian cancer; BRCA1- and BRCA2-Associated Hereditary Breast and Ovarian Cancer; Hereditary breast and ovarian cancer. Identifiers: Orphanet 145, MedGen C0677776, MeSH D061325, MONDO:0003582. Disease mechanism: loss of function.

Submissions (3):

Labcorp Genetics (formerly Invitae), Labcorp
Classification: Uncertain significance for Hereditary breast ovarian cancer syndrome. Last evaluated: 2025-07-07. Review status: criteria provided, single submitter. Criteria: Invitae Variant Classification Sherloc (09022015). Collection method: clinical testing. Allele origin: germline.
Comment: This sequence change replaces methionine, which is neutral and non-polar, with valine, which is neutral and non-polar, at codon 2122 of the BRCA2 protein (p.Met2122Val). This variant is not present in population databases (gnomAD no frequency). This variant has not been reported in the literature in individuals affected with BRCA2-related conditions. ClinVar contains an entry for this variant (Variation ID: 947846). Invitae Evidence Modeling of protein sequence and biophysical properties (such as structural, functional, and spatial information, amino acid conservation, physicochemical variation, residue mobility, and thermodynamic stability) indicates that this missense variant is not expected to disrupt BRCA2 protein function with a negative predictive value of 95%. In summary, the available evidence is currently insufficient to determine the role of this variant in disease. Therefore, it has been classified as a Variant of Uncertain Significance.

Ambry Genetics
Classification: Uncertain significance for Hereditary cancer-predisposing syndrome. Last evaluated: 2023-06-28. Review status: criteria provided, single submitter. Criteria: Ambry Variant Classification Scheme 2023. Collection method: clinical testing. Allele origin: germline.
Comment: The p.M2122V variant (also known as c.6364A>G), located in coding exon 10 of the BRCA2 gene, results from an A to G substitution at nucleotide position 6364. The methionine at codon 2122 is replaced by valine, an amino acid with highly similar properties. This amino acid position is conserved. In addition, this alteration is predicted to be tolerated by in silico analysis. Since supporting evidence is limited at this time, the clinical significance of this alteration remains unclear.

University of Washington Department of Laboratory Medicine, University of Washington
Classification: Likely benign for Hereditary cancer-predisposing syndrome. Last evaluated: 2023-03-23. Review status: criteria provided, single submitter. Criteria: Dines et al. (Genet Med. 2020). Collection method: curation. Allele origin: germline.
Comment: Missense variant in a coldspot region where missense variants are very unlikely to be pathogenic (PMID:31911673).

BRCA2 exon 11 coldspot. Reclassification based on statistical prior probability.